The following is an entry in ClinVar:

ClinVar aggregate classification (germline): Benign/Likely benign. Review status: criteria provided, multiple submitters, no conflicts (2 of 4 stars). 4 submissions from 4 submitters: Benign (1); Likely benign (3). Last evaluated 2025-12-19.

Conditions:
Hereditary cancer-predisposing syndrome. Also called: Neoplastic Syndromes, Hereditary; Tumor predisposition; Hereditary neoplastic syndrome; Hereditary Cancer Syndrome. Identifiers: Orphanet 140162, MedGen C0027672, MeSH D009386, MONDO:0015356.
Hereditary diffuse gastric adenocarcinoma (HDGC). Also called: DIFFUSE GASTRIC AND LOBULAR BREAST CANCER SYNDROME. Identifiers: Orphanet 26106, MedGen C1708349, MONDO:0007648, OMIM 137215.

Allele frequency attached by ClinVar (database versions not stated): gnomAD 0.00001; gnomAD exomes 0.00001; TOPMed 0.00001; ExAC 0.00002.
gnomAD v4.1: 9 of 1,614,134 alleles (0.00056%); highest among the groups gnomAD compares: Non-Finnish European, 0.00076%; no homozygotes.

Submissions (4):

Labcorp Genetics (formerly Invitae), Labcorp
Classification: Likely benign. Last evaluated: 2025-12-19. Review status: criteria provided, single submitter. Criteria: Invitae Variant Classification Sherloc (09022015). Collection method: clinical testing. Allele origin: germline.

Myriad Genetics, Inc.
Classification: Benign for Hereditary diffuse gastric adenocarcinoma. Last evaluated: 2024-10-10. Review status: criteria provided, single submitter. Criteria: Myriad Autosomal Dominant, Autosomal Recessive and X-Linked Classification Criteria (2023). Collection method: clinical testing. Allele origin: unknown.
Comment: This variant is considered benign. This variant is a silent/synonymous amino acid change and it is not expected to impact splicing.

Ambry Genetics
Classification: Likely benign for Hereditary cancer-predisposing syndrome. Last evaluated: 2019-11-07. Review status: criteria provided, single submitter. Criteria: Ambry Variant Classification Scheme 2023. Collection method: clinical testing. Allele origin: germline.

CeGaT Center for Human Genetics Tuebingen
Classification: Likely benign. Last evaluated: 2019-11-01. Review status: criteria provided, single submitter. Criteria: CeGaT Center For Human Genetics Tuebingen Variant Classification Criteria Version 2. Collection method: clinical testing. Allele origin: germline. Affected: yes. Observed: 1 variant allele.

NM_001903.5(CTNNA1):c.993G>A (p.Glu331=)

Gene: CTNNA1 (catenin alpha 1; plus strand). Cytogenetic location: 5q31.2.
Variant type: single nucleotide variant.
Coding change: c.993G>A on transcript NM_001903.5 (MANE Select); coding-DNA position 993, G replaced by A.
Protein change: p.Glu331=; no amino-acid change (glutamic acid 331 retained).
Molecular consequence: synonymous variant.
Genome position (GRCh38, 1-based): chr5:138,827,649, G>A. VCF-style: chr5-138827649-G-A. GRCh37 (hg19) VCF-style: chr5-138163338-G-A.
Other names: c.993G>A, p.Glu331= (NM_001290307.3, NM_001323982.2, NM_001323983.1 and 3 more transcripts); c.684G>A, p.Glu228= (NM_001290309.3); c.624G>A, p.Glu208= (NM_001290310.3).
Identifiers: ClinVar variation 702291 (VCV000702291.55), dbSNP rs750764668, ClinGen allele CA3431602.